The following is an entry in ClinVar:

NM_017999.5(RNF31):c.1627G>A (p.Asp543Asn)

Gene: RNF31 (ring finger protein 31; plus strand). Cytogenetic location: 14q12.
Variant type: single nucleotide variant.
Coding change: c.1627G>A on transcript NM_017999.5 (MANE Select); coding-DNA position 1627, G replaced by A.
Protein change: p.Asp543Asn; replaces aspartic acid 543 with asparagine.
Molecular consequence: missense variant.
Genome position (GRCh38, 1-based): chr14:24,151,269, G>A. VCF-style: chr14-24151269-G-A. GRCh37 (hg19) VCF-style: chr14-24620478-G-A.
Other names: c.1174G>A, p.Asp392Asn (NM_001310332.2); short protein forms D392N, D543N.
Identifiers: ClinVar variation 2985217 (VCV002985217.3), dbSNP rs1186135911, ClinGen allele CA389297281.
Genomic context (GRCh38, chr14:24,151,269, plus strand): 5'-TGGTTGCGCTCAGAACTGCCCTACGTCCTGGAGATGGTGGCTGAGCTGGCTGGACAGCAG[G>A]ACCCTGGGCTGGGTGCCTTTTCCTGTCAGGAGGCCCGGAGAGCCTGGCTGGATCGTCATG-3'
Protein context (NP_060469.4, residues 533-553): EMVAELAGQQ[Asp543Asn]PGLGAFSCQE

ClinVar aggregate classification (germline): Uncertain significance (1 of 4 stars; one submission).

Allele frequency attached by ClinVar (database versions not stated): gnomAD exomes 0.00002.
gnomAD v4.1: 26 of 1,614,230 alleles (0.0016%); highest among the groups gnomAD compares: Non-Finnish European, 0.002%; no homozygotes.

Submission:

Labcorp Genetics (formerly Invitae), Labcorp
Classification: Uncertain significance. Last evaluated: 2023-05-02. Review status: criteria provided, single submitter. Criteria: Invitae Variant Classification Sherloc (09022015). Collection method: clinical testing. Allele origin: germline.
Comment: In summary, the available evidence is currently insufficient to determine the role of this variant in disease. Therefore, it has been classified as a Variant of Uncertain Significance. An algorithm developed to predict the effect of missense changes on protein structure and function (PolyPhen-2) suggests that this variant is likely to be tolerated. This variant has not been reported in the literature in individuals affected with RNF31-related conditions. This variant is present in population databases (no rsID available, gnomAD 0.0009%). This sequence change replaces aspartic acid, which is acidic and polar, with asparagine, which is neutral and polar, at codon 543 of the RNF31 protein (p.Asp543Asn).